The following is an entry in ClinVar:

ClinVar aggregate classification (germline): Uncertain significance. Review status: criteria provided, multiple submitters, no conflicts (2 of 4 stars). 2 submissions from 2 submitters: Uncertain significance (2). Last evaluated 2025-11-19.

Conditions:
Multiple endocrine neoplasia, type 2 (MEN2). Identifiers: Orphanet 653, MedGen C4048306, MONDO:0019003. Disease mechanism: gain of function.
Hereditary cancer-predisposing syndrome. Also called: Tumor predisposition; Hereditary neoplastic syndrome; Neoplastic Syndromes, Hereditary; Hereditary Cancer Syndrome. Identifiers: Orphanet 140162, MedGen C0027672, MeSH D009386, MONDO:0015356.

Submissions (2):

Ambry Genetics
Classification: Uncertain significance for Hereditary cancer-predisposing syndrome. Last evaluated: 2025-11-19. Review status: criteria provided, single submitter. Criteria: Ambry Variant Classification Scheme 2023. Collection method: clinical testing. Allele origin: germline.
Comment: The p.G23V variant (also known as c.68G>T), located in coding exon 1 of the RET gene, results from a G to T substitution at nucleotide position 68. The glycine at codon 23 is replaced by valine, an amino acid with dissimilar properties. This amino acid position is conserved. In addition, the in silico prediction for this alteration is inconclusive. Based on the available evidence, the clinical significance of this variant remains unclear.

Labcorp Genetics (formerly Invitae), Labcorp
Classification: Uncertain significance for Multiple endocrine neoplasia, type 2. Last evaluated: 2019-08-28. Review status: criteria provided, single submitter. Criteria: Invitae Variant Classification Sherloc (09022015). Collection method: clinical testing. Allele origin: germline.
Comment: In summary, the available evidence is currently insufficient to determine the role of this variant in disease. Therefore, it has been classified as a Variant of Uncertain Significance. Algorithms developed to predict the effect of missense changes on protein structure and function are either unavailable or do not agree on the potential impact of this missense change (SIFT: "Tolerated"; PolyPhen-2: "Probably Damaging"; Align-GVGD: "Class C0"). This variant has not been reported in the literature in individuals with RET-related conditions. The frequency data for this variant in the population databases is considered unreliable, as metrics indicate insufficient coverage at this position in the ExAC database. This sequence change replaces glycine with valine at codon 23 of the RET protein (p.Gly23Val). The glycine residue is weakly conserved and there is a moderate physicochemical difference between glycine and valine.

NM_020975.6(RET):c.68G>T (p.Gly23Val)

Gene: RET (ret proto-oncogene; plus strand). Cytogenetic location: 10q11.21.
Variant type: single nucleotide variant.
Coding change: c.68G>T on transcript NM_020975.6 (MANE Select); coding-DNA position 68, G replaced by T.
Protein change: p.Gly23Val; replaces glycine 23 with valine.
Molecular consequence: missense variant.
Genome position (GRCh38, 1-based): chr10:43,077,326, G>T. VCF-style: chr10-43077326-G-T. GRCh37 (hg19) VCF-style: chr10-43572774-G-T.
Other names: c.68G>T, p.Gly23Val (NM_020630.7, NM_000323.2, NM_001406743.1 and 38 more transcripts); short protein forms G23V.
Identifiers: ClinVar variation 950776 (VCV000950776.14), dbSNP rs1554815546, ClinGen allele CA376768121.